The following is an entry in ClinVar:

NM_022124.6(CDH23):c.6389C>T (p.Ala2130Val)

Gene: CDH23 (cadherin related 23; plus strand). Cytogenetic location: 10q22.1.
Variant type: single nucleotide variant.
Coding change: c.6389C>T on transcript NM_022124.6 (MANE Select); coding-DNA position 6389, C replaced by T.
Protein change: p.Ala2130Val; replaces alanine 2130 with valine.
Molecular consequence: missense variant.
Genome position (GRCh38, 1-based): chr10:71,793,317, C>T. VCF-style: chr10-71793317-C-T. GRCh37 (hg19) VCF-style: chr10-73553074-C-T.
Other names: short protein forms A2130V.
Identifiers: ClinVar variation 1444877 (VCV001444877.5), dbSNP rs2132953541, ClinGen allele CA377154715.

ClinVar aggregate classification (germline): Uncertain significance (1 of 4 stars; one submission).

Submission:

Labcorp Genetics (formerly Invitae), Labcorp
Classification: Uncertain significance. Last evaluated: 2022-08-16. Review status: criteria provided, single submitter. Criteria: Invitae Variant Classification Sherloc (09022015). Collection method: clinical testing. Allele origin: germline.
Comment: This sequence change replaces alanine, which is neutral and non-polar, with valine, which is neutral and non-polar, at codon 2130 of the CDH23 protein (p.Ala2130Val). This variant is not present in population databases (gnomAD no frequency). This missense change has been observed in individual(s) with deafness (PMID: 22899989, 25788563). ClinVar contains an entry for this variant (Variation ID: 1444877). Algorithms developed to predict the effect of missense changes on protein structure and function output the following: SIFT: "Tolerated"; PolyPhen-2: "Not Available"; Align-GVGD: "Class C0". The valine amino acid residue is found in multiple mammalian species, which suggests that this missense change does not adversely affect protein function. In summary, the available evidence is currently insufficient to determine the role of this variant in disease. Therefore, it has been classified as a Variant of Uncertain Significance.

Literature cited by the submitters: PubMed 22899989; PubMed 25788563.